The following is an entry in ClinVar:

NM_000531.6(OTC):c.788A>G (p.Asp263Gly)

Gene: OTC (ornithine transcarbamylase; plus strand). Cytogenetic location: Xp11.4.
Variant type: single nucleotide variant.
Coding change: c.788A>G on transcript NM_000531.6 (MANE Select); coding-DNA position 788, A replaced by G.
Protein change: p.Asp263Gly; replaces aspartic acid 263 with glycine.
Molecular consequence: missense variant.
Genome position (GRCh38, 1-based): chrX:38,408,946, A>G. VCF-style: chrX-38408946-A-G. GRCh37 (hg19) VCF-style: chrX-38268199-A-G.
Other names: short protein forms D263G.
Identifiers: ClinVar variation 97325 (VCV000097325.4), dbSNP rs72558443, ClinGen allele CA224788.

ClinVar aggregate classification (germline): Likely pathogenic. Review status: criteria provided, multiple submitters, no conflicts (2 of 4 stars). 3 submissions from 3 submitters: Likely pathogenic (2). 1 of the submissions does not count toward it. Last evaluated 2025-03-29.

Conditions:
OTC-related disorder. Also called: OTC-related condition.
Ornithine carbamoyltransferase deficiency (OTCD). Also called: ORNITHINE TRANSCARBAMYLASE DEFICIENCY, HYPERAMMONEMIA DUE TO; ORNITHINE TRANSCARBAMYLASE DEFICIENCY; OTC DEFICIENCY; Ornithine Carbamoyltransferase Deficiency Disease. Identifiers: Orphanet 664, MedGen C0268542, MONDO:0010703, OMIM 311250.

Submissions (3):

Natera, Inc.
Classification: Likely pathogenic for Ornithine transcarbamylase deficiency. Last evaluated: 2025-03-29. Review status: criteria provided, single submitter. Criteria: Natera Variant Classification Schema (03/2026). Collection method: clinical testing. Allele origin: germline.
Comment: The c.788A>G variant in OTC is a missense variant predicted to cause substitution of aspartic acid to glycine at amino acid 263. This variant is rare in the general population with a frequency below the threshold expected for the associated phenotype(s). This variant has been observed in affected individual(s) with monoallelic occurrence (heterozygous/hemizygous) (PMID: 9686344, 10946359, 34958254). This variant has been identified in one or more affected individual with a phenotype highly consistent with the associated gene (PMID: 34958254). Computational prediction algorithms indicate this variant is likely to affect gene or protein function. Given the available evidence, this variant is classified as Likely Pathogenic.

PreventionGenetics, part of Exact Sciences
Classification: Likely pathogenic for OTC-related condition. Last evaluated: 2023-04-11. Review status: criteria provided, single submitter. Criteria: ACMG Guidelines, 2015. Collection method: clinical testing. Allele origin: germline.
Comment: The OTC c.788A>G variant is predicted to result in the amino acid substitution p.Asp263Gly. The p.Asp263 amino acid is located in the ornithine binding domain, and substitutions in this region are therefore likely to be disruptive (Ali et al. 2018. PubMed ID: 30175132). This variant has not been reported in a large population database, indicating this variant is rare. Taken together, this variant is interpreted as likely pathogenic.

GenMed Metabolism Lab
Classification: Pathogenic. Review status: no assertion criteria provided. Collection method: not provided. Allele origin: unknown. Not counted in ClinVar's aggregate classification.
ClinVar note: Converted during submission from pathogenic to Pathogenic.

Literature cited by the submitters: PubMed 9686344 (cited by Natera, Inc.); PubMed 10946359 (cited by Natera, Inc.); PubMed 34958254 (cited by Natera, Inc.).